The following is an entry in ClinVar:

ClinVar aggregate classification (germline): Uncertain significance. Review status: criteria provided, multiple submitters, no conflicts (2 of 4 stars). 4 submissions from 4 submitters: Uncertain significance (4). Last evaluated 2026-04-20.

Conditions:
Bethlem myopathy 1A. Also called: MYOPATHY, BENIGN CONGENITAL, WITH CONTRACTURES; Bethlem myopathy 1; Bethlem Muscular Dystrophy. Identifiers: Orphanet 610, MedGen CN029274, MONDO:0024530, OMIM 158810.

Allele frequency attached by ClinVar (database versions not stated): gnomAD exomes 0.00008 and 0.00014; TOPMed 0.00012; gnomAD 0.00005 and 0.00006; ExAC 0.00013; ESP Exome Variant Server 0.00015.
gnomAD v4.1: 122 of 1,612,528 alleles (0.0076%); highest among the groups gnomAD compares: Admixed American, 0.058%; no homozygotes.

Submissions (4):

Women's Health and Genetics/Laboratory Corporation of America, LabCorp
Classification: Uncertain significance. Last evaluated: 2026-04-20. Review status: criteria provided, single submitter. Criteria: LabCorp Variant Classification Summary - May 2015. Collection method: clinical testing. Allele origin: germline.
Comment: Variant summary: COL6A2 c.1053+6G>A alters a nucleotide located close to a canonical splice site and therefore could affect mRNA splicing, leading to a significantly altered protein sequence. Consensus agreement among computation tools predict no significant impact on normal splicing. However, these predictions have yet to be confirmed by functional studies. The variant allele was found at a frequency of 0.00014 in 249010 control chromosomes. This frequency is not significantly higher than estimated for disease-causing variants in COL6A2, allowing no conclusion about variant significance. To our knowledge, no occurrence of c.1053+6G>A in individuals affected with COL6A2-related conditions and no experimental evidence demonstrating its impact on protein function have been reported. ClinVar contains an entry for this variant (Variation ID: 285137). Based on the evidence outlined above, the variant was classified as uncertain significance.

Dasa
Classification: Uncertain significance. Last evaluated: 2025-10-23. Review status: criteria provided, single submitter. Criteria: DASA Assertion Criteria. Collection method: clinical testing. Allele origin: germline.
Comment: NM_001849.4(COL6A2):c.1053+6G>A is a splice-region variant. This variant is rare in population databases. Computational prediction algorithms are consistent with a benign effect. The currently available literature and clinical evidence are not sufficient to establish a definitive association between this variant and the reported condition. Therefore, this variant is classified as a variant of uncertain significance.

Labcorp Genetics (formerly Invitae), Labcorp
Classification: Uncertain significance for Bethlem myopathy 1A. Last evaluated: 2025-01-29. Review status: criteria provided, single submitter. Criteria: Invitae Variant Classification Sherloc (09022015). Collection method: clinical testing. Allele origin: germline.
Comment: This sequence change falls in intron 11 of the COL6A2 gene. It does not directly change the encoded amino acid sequence of the COL6A2 protein. It affects a nucleotide within the consensus splice site. This variant is present in population databases (rs373181368, gnomAD 0.06%). This variant has not been reported in the literature in individuals affected with COL6A2-related conditions. ClinVar contains an entry for this variant (Variation ID: 285137). Variants that disrupt the consensus splice site are a relatively common cause of aberrant splicing (PMID: 17576681, 9536098). Algorithms developed to predict the effect of sequence changes on RNA splicing suggest that this variant is not likely to affect RNA splicing. In summary, the available evidence is currently insufficient to determine the role of this variant in disease. Therefore, it has been classified as a Variant of Uncertain Significance.

Eurofins Ntd Llc (ga)
Classification: Uncertain significance. Last evaluated: 2015-12-03. Review status: criteria provided, single submitter. Criteria: EGL Classification Definitions 2015. Collection method: clinical testing. Allele origin: germline. Observed: 1 variant allele, 1 heterozygote.

Literature cited by the submitters: PubMed 17576681 (cited by Labcorp Genetics (formerly Invitae), Labcorp); PubMed 9536098 (cited by Labcorp Genetics (formerly Invitae), Labcorp).

NM_001849.4(COL6A2):c.1053+6G>A

Gene: COL6A2 (collagen type VI alpha 2 chain; plus strand). Cytogenetic location: 21q22.3.
Variant type: single nucleotide variant.
Coding change: c.1053+6G>A on transcript NM_001849.4 (MANE Select); 6 bases into the intron after coding-DNA position 1053, G replaced by A.
Molecular consequence: intron variant.
Genome position (GRCh38, 1-based): chr21:46,117,459, G>A. VCF-style: chr21-46117459-G-A. GRCh37 (hg19) VCF-style: chr21-47537373-G-A.
Other names: c.1053+6G>A (NM_058175.3, NM_058174.3).
Identifiers: ClinVar variation 285137 (VCV000285137.14), dbSNP rs373181368, ClinGen allele CA10071639.
Genomic context (GRCh38, chr21:46,117,459, plus strand): 5'-GGGCAAGCTGGGGCGCATCGGACCTCCTGGCTGCAAGGGAGACCCTGGAAACCGGGTAAG[G>A]GCCGTTTGCACCCCTCCTTCAGCCTCGGCCCAGGGGGTGTGGGTGCCTGACCGGGTGGGA-3'